The following is an entry in ClinVar:

ClinVar aggregate classification (germline): Uncertain significance. Review status: criteria provided, multiple submitters, no conflicts (2 of 4 stars). 4 submissions from 4 submitters: Uncertain significance (3). 1 of the submissions does not count toward it. Last evaluated 2025-03-12.

Conditions:
BBS1-related disorder. Also called: BBS1-related condition.
Bardet-Biedl syndrome (BBS). Identifiers: Orphanet 110, MedGen C0752166, MONDO:0015229.

Allele frequency attached by ClinVar (database versions not stated): gnomAD 0.00001; TOPMed 0.00001; gnomAD exomes 0.00001; ExAC 0.00002.
gnomAD v4.1: 15 of 1,614,070 alleles (0.00093%); highest among the groups gnomAD compares: Admixed American, 0.0033%; no homozygotes.

Submissions (4):

GeneDx
Classification: Uncertain significance. Last evaluated: 2025-03-12. Review status: criteria provided, single submitter. Criteria: GeneDx Variant Classification Process June 2021. Collection method: clinical testing. Allele origin: germline. Affected: yes.
Comment: In silico analysis supports that this missense variant has a deleterious effect on protein structure/function; Has not been previously published as pathogenic or benign to our knowledge

Labcorp Genetics (formerly Invitae), Labcorp
Classification: Uncertain significance for Bardet-Biedl syndrome. Last evaluated: 2024-01-11. Review status: criteria provided, single submitter. Criteria: Invitae Variant Classification Sherloc (09022015). Collection method: clinical testing. Allele origin: germline.
Comment: This sequence change replaces arginine, which is basic and polar, with histidine, which is basic and polar, at codon 404 of the BBS1 protein (p.Arg404His). This variant is present in population databases (rs755554027, gnomAD 0.006%). This variant has not been reported in the literature in individuals affected with BBS1-related conditions. ClinVar contains an entry for this variant (Variation ID: 2170619). Advanced modeling of protein sequence and biophysical properties (such as structural, functional, and spatial information, amino acid conservation, physicochemical variation, residue mobility, and thermodynamic stability) performed at Invitae indicates that this missense variant is expected to disrupt BBS1 protein function with a positive predictive value of 80%. In summary, the available evidence is currently insufficient to determine the role of this variant in disease. Therefore, it has been classified as a Variant of Uncertain Significance.

Blueprint Genetics
Classification: Uncertain significance. Last evaluated: 2022-06-16. Review status: criteria provided, single submitter. Criteria: ACMG Guidelines, 2015. Collection method: clinical testing. Allele origin: germline.

PreventionGenetics, part of Exact Sciences
Classification: Uncertain significance for BBS1-related condition. Last evaluated: 2023-12-07. Review status: no assertion criteria provided. Collection method: clinical testing. Allele origin: germline. Not counted in ClinVar's aggregate classification.
Comment: The BBS1 c.1211G>A variant is predicted to result in the amino acid substitution p.Arg404His. To our knowledge, this variant has not been reported in the literature. This variant is reported in 0.0054% of alleles in individuals of East Asian descent in gnomAD. At this time, the clinical significance of this variant is uncertain due to the absence of conclusive functional and genetic evidence.

NM_024649.5(BBS1):c.1211G>A (p.Arg404His)

Genes: BBS1 (Bardet-Biedl syndrome 1; plus strand), ZDHHC24 (zDHHC palmitoyltransferase 24; minus strand). Cytogenetic location: 11q13.2.
Variant type: single nucleotide variant.
Coding change: c.1211G>A on transcript NM_024649.5 (MANE Select); coding-DNA position 1211, G replaced by A.
Protein change: p.Arg404His; replaces arginine 404 with histidine.
Molecular consequence: missense variant. On other transcripts: intron variant (1).
Genome position (GRCh38, 1-based): chr11:66,526,679, G>A. VCF-style: chr11-66526679-G-A. GRCh37 (hg19) VCF-style: chr11-66294150-G-A.
Other names: c.*21+257C>T (NM_001348571.2); short protein forms R404H.
Identifiers: ClinVar variation 2170619 (VCV002170619.6), dbSNP rs755554027, ClinGen allele CA6123676.